The following is an entry in ClinVar:

ClinVar aggregate classification (germline): Uncertain significance (1 of 4 stars; one submission).

gnomAD v4.1: 2 of 1,596,222 alleles (0.00013%); highest among the groups gnomAD compares: South Asian, 0.0011%; no homozygotes.

Submission:

Labcorp Genetics (formerly Invitae), Labcorp
Classification: Uncertain significance. Last evaluated: 2025-02-15. Review status: criteria provided, single submitter. Criteria: Invitae Variant Classification Sherloc (09022015). Collection method: clinical testing. Allele origin: germline.
Comment: This sequence change replaces glycine, which is neutral and non-polar, with arginine, which is basic and polar, at codon 1802 of the MYO7A protein (p.Gly1802Arg). This variant is not present in population databases (gnomAD no frequency). This variant has not been reported in the literature in individuals affected with MYO7A-related conditions. Invitae Evidence Modeling of protein sequence and biophysical properties (such as structural, functional, and spatial information, amino acid conservation, physicochemical variation, residue mobility, and thermodynamic stability) has been performed for this missense variant. However, the output from this modeling did not meet the statistical confidence thresholds required to predict the impact of this variant on MYO7A protein function. In summary, the available evidence is currently insufficient to determine the role of this variant in disease. Therefore, it has been classified as a Variant of Uncertain Significance.

NM_000260.4(MYO7A):c.5404G>C (p.Gly1802Arg)

Gene: MYO7A (myosin VIIA; plus strand). Cytogenetic location: 11q13.5.
Variant type: single nucleotide variant.
Coding change: c.5404G>C on transcript NM_000260.4 (MANE Select); coding-DNA position 5404, G replaced by C.
Protein change: p.Gly1802Arg; replaces glycine 1802 with arginine.
Molecular consequence: missense variant.
Genome position (GRCh38, 1-based): chr11:77,204,153, G>C. VCF-style: chr11-77204153-G-C. GRCh37 (hg19) VCF-style: chr11-76915198-G-C.
Other names: c.5290G>C, p.Gly1764Arg (NM_001127180.2); c.5257G>C, p.Gly1753Arg (NM_001369365.1); short protein forms G1764R, G1802R, G1753R.
Identifiers: ClinVar variation 4694127 (VCV004694127.1).